The following is an entry in ClinVar:

ClinVar aggregate classification (germline): Uncertain significance. Review status: criteria provided, multiple submitters, no conflicts (2 of 4 stars). 2 submissions from 2 submitters: Uncertain significance (2). Last evaluated 2024-12-23.

Conditions:
Charcot-Marie-Tooth disease type 4. Also called: Charcot-Marie-Tooth disease, type IV; Charcot-Marie-Tooth, Type 4. Identifiers: Orphanet 64749, MedGen C4082197, MONDO:0018995.
Inborn genetic diseases. Identifiers: MedGen C0950123, MeSH D030342.

Allele frequency attached by ClinVar (database versions not stated): gnomAD 0.00002; TOPMed 0.00002.
gnomAD v4.1: 3 of 1,612,894 alleles (0.00019%); highest among the groups gnomAD compares: Admixed American, 0.005%; no homozygotes.

Submissions (2):

Ambry Genetics
Classification: Uncertain significance for Inborn genetic diseases. Last evaluated: 2024-12-23. Review status: criteria provided, single submitter. Criteria: Ambry Variant Classification Scheme 2023. Collection method: clinical testing. Allele origin: germline.

Labcorp Genetics (formerly Invitae), Labcorp
Classification: Uncertain significance for Charcot-Marie-Tooth disease type 4. Last evaluated: 2022-08-16. Review status: criteria provided, single submitter. Criteria: Invitae Variant Classification Sherloc (09022015). Collection method: clinical testing. Allele origin: germline.
Comment: This sequence change replaces arginine, which is basic and polar, with threonine, which is neutral and polar, at codon 325 of the FIG4 protein (p.Arg325Thr). This variant is not present in population databases (gnomAD no frequency). This variant has not been reported in the literature in individuals affected with FIG4-related conditions. ClinVar contains an entry for this variant (Variation ID: 407083). Algorithms developed to predict the effect of missense changes on protein structure and function are either unavailable or do not agree on the potential impact of this missense change (SIFT: "Deleterious"; PolyPhen-2: "Probably Damaging"; Align-GVGD: "Class C0"). Algorithms developed to predict the effect of sequence changes on RNA splicing suggest that this variant may disrupt the consensus splice site. In summary, the available evidence is currently insufficient to determine the role of this variant in disease. Therefore, it has been classified as a Variant of Uncertain Significance.

NM_014845.6(FIG4):c.974G>C (p.Arg325Thr)

Gene: FIG4 (FIG4 phosphoinositide 5-phosphatase; plus strand). Cytogenetic location: 6q21.
Variant type: single nucleotide variant.
Coding change: c.974G>C on transcript NM_014845.6 (MANE Select); coding-DNA position 974, G replaced by C.
Protein change: p.Arg325Thr; replaces arginine 325 with threonine.
Molecular consequence: missense variant.
Genome position (GRCh38, 1-based): chr6:109,743,207, G>C. VCF-style: chr6-109743207-G-C. GRCh37 (hg19) VCF-style: chr6-110064410-G-C.
Other names: short protein forms R325T.
Identifiers: ClinVar variation 407083 (VCV000407083.7), dbSNP rs1060501400, ClinGen allele CA16611933.